The following is an entry in ClinVar:

ClinVar aggregate classification (germline): Uncertain significance (1 of 4 stars; one submission).

Conditions:
Hereditary cancer-predisposing syndrome. Also called: Hereditary Cancer Syndrome; Neoplastic Syndromes, Hereditary; Tumor predisposition; Hereditary neoplastic syndrome. Identifiers: Orphanet 140162, MedGen C0027672, MeSH D009386, MONDO:0015356.
Cardiovascular phenotype. Identifiers: MedGen CN230736.

gnomAD v4.1: 1 of 1,611,034 alleles (0.000062%); no homozygotes.

Submission:

Ambry Genetics
Classification: Uncertain significance for Cardiovascular phenotype; Hereditary cancer-predisposing syndrome. Last evaluated: 2022-11-07. Review status: criteria provided, single submitter. Criteria: Ambry Variant Classification Scheme 2023. Collection method: clinical testing. Allele origin: germline.
Comment: The p.L1979V variant (also known as c.5935C>G), located in coding exon 39 of the NF1 gene, results from a C to G substitution at nucleotide position 5935. The leucine at codon 1979 is replaced by valine, an amino acid with highly similar properties. This amino acid position is highly conserved in available vertebrate species. In addition, the in silico prediction for this alteration is inconclusive. Since supporting evidence is limited at this time, the clinical significance of this alteration remains unclear.

NM_001042492.3(NF1):c.5998C>G (p.Leu2000Val)

Gene: NF1 (neurofibromin 1; plus strand). Cytogenetic location: 17q11.2.
Variant type: single nucleotide variant.
Coding change: c.5998C>G on transcript NM_001042492.3 (MANE Select); coding-DNA position 5998, C replaced by G.
Protein change: p.Leu2000Val; replaces leucine 2000 with valine.
Molecular consequence: missense variant.
Genome position (GRCh38, 1-based): chr17:31,335,023, C>G. VCF-style: chr17-31335023-C-G. GRCh37 (hg19) VCF-style: chr17-29662041-C-G.
Other names: c.5935C>G, p.Leu1979Val (NM_000267.4); short protein forms L2000V, L1979V.
Identifiers: ClinVar variation 480203 (VCV000480203.6), dbSNP rs1555534429, ClinGen allele CA399010965.